The following is an entry in ClinVar:

ClinVar aggregate classification (germline): Uncertain significance. Review status: criteria provided, multiple submitters, no conflicts (2 of 4 stars). 2 submissions from 2 submitters: Uncertain significance (2). Last evaluated 2022-07-27.

Conditions:
Hereditary spastic paraplegia 48. Also called: SPASTIC PARAPLEGIA 48, AUTOSOMAL RECESSIVE; Spastic paraplegia 48. Identifiers: Orphanet 306511, MedGen C3150901, MONDO:0013342, OMIM 613647.
Hereditary spastic paraplegia. Also called: Familial spastic paraparesis. Identifiers: Orphanet 685, MedGen C0037773, MONDO:0019064. Disease mechanism: loss of function.

Allele frequency attached by ClinVar (database versions not stated): gnomAD 0.00004 and 0.00005; TOPMed 0.00006; gnomAD exomes 0.00007; ExAC 0.00014.
gnomAD v4.1: 178 of 1,581,326 alleles (0.011%); highest among the groups gnomAD compares: Middle Eastern, 0.017%; no homozygotes.

Submissions (3):

Labcorp Genetics (formerly Invitae), Labcorp
Classification: Uncertain significance for Hereditary spastic paraplegia 48. Last evaluated: 2022-07-27. Review status: criteria provided, single submitter. Criteria: Invitae Variant Classification Sherloc (09022015). Collection method: clinical testing. Allele origin: germline.
Comment: This sequence change affects codon 208 of the AP5Z1 mRNA. It is a 'silent' change, meaning that it does not change the encoded amino acid sequence of the AP5Z1 protein. This variant is present in population databases (rs772392202, gnomAD 0.01%). This variant has not been reported in the literature in individuals affected with AP5Z1-related conditions. ClinVar contains an entry for this variant (Variation ID: 944670). Algorithms developed to predict the effect of sequence changes on RNA splicing suggest that this variant may create or strengthen a splice site. In summary, the available evidence is currently insufficient to determine the role of this variant in disease. Therefore, it has been classified as a Variant of Uncertain Significance.

Genome Diagnostics Laboratory, The Hospital for Sick Children
Classification: Uncertain significance for Hereditary spastic paraplegia. Last evaluated: 2021-05-12. Review status: criteria provided, single submitter. Criteria: ACMG Guidelines, 2015. Collection method: clinical testing. Allele origin: germline. Affected: yes.

Dr. Peter K. Rogan Lab, Western University
No classification provided (evidence only). Condition: Lung cancer. Review status: no classification provided. Collection method: in vitro. Allele origin: not applicable. Functional consequence: retained intron. Not counted in ClinVar's aggregate classification.

NM_014855.3(AP5Z1):c.624G>A (p.Pro208=)

Gene: AP5Z1 (adaptor related protein complex 5 subunit zeta 1; plus strand). Cytogenetic location: 7p22.1.
Variant type: single nucleotide variant.
Coding change: c.624G>A on transcript NM_014855.3 (MANE Select); coding-DNA position 624, G replaced by A.
Protein change: p.Pro208=; no amino-acid change (proline 208 retained).
Molecular consequence: synonymous variant. On other transcripts: non-coding transcript variant (1).
Genome position (GRCh38, 1-based): chr7:4,784,205, G>A. VCF-style: chr7-4784205-G-A. GRCh37 (hg19) VCF-style: chr7-4823836-G-A.
Other names: c.156G>A, p.Pro52= (NM_001364858.1).
Identifiers: ClinVar variation 944670 (VCV000944670.10), dbSNP rs772392202, ClinGen allele CA4137295.